The following is an entry in ClinVar:

NM_015158.5(KANK1):c.804C>T (p.Ala268=)

Gene: KANK1 (KN motif and ankyrin repeat domains 1; plus strand). Cytogenetic location: 9p24.3.
Variant type: single nucleotide variant.
Coding change: c.804C>T on transcript NM_015158.5 (MANE Select); coding-DNA position 804, C replaced by T.
Protein change: p.Ala268=; no amino-acid change (alanine 268 retained).
Molecular consequence: synonymous variant. On other transcripts: non-coding transcript variant (1).
Genome position (GRCh38, 1-based): chr9:711,570, C>T. VCF-style: chr9-711570-C-T. GRCh37 (hg19) VCF-style: chr9-711570-C-T.
Other names: c.804C>T, p.Ala268= (NM_001256876.3, NM_001256877.3, NM_001354331.2 and 2 more transcripts); c.330C>T, p.Ala110= (NM_001354333.2, NM_001354335.2, NM_001354336.2 and 9 more transcripts).
Identifiers: ClinVar variation 708378 (VCV000708378.37), dbSNP rs116693683, ClinGen allele CA4960052.

ClinVar aggregate classification (germline): Benign/Likely benign. Review status: criteria provided, multiple submitters, no conflicts (2 of 4 stars). 6 submissions from 6 submitters: Benign (1); Likely benign (5). Last evaluated 2026-01-01.

Conditions:
Cerebral palsy, spastic quadriplegic, 2 (CPSQ2). Identifiers: Orphanet 210141, MedGen C2752061, MONDO:0013033, OMIM 612900.

Allele frequency attached by ClinVar (database versions not stated): gnomAD exomes 0.00035 and 0.00086; ExAC 0.00093; ESP Exome Variant Server 0.00254; gnomAD 0.00258 and 0.00275; 1000 Genomes Project 0.00260; TOPMed 0.00272; 1000 Genomes Project 30x 0.00359.
gnomAD v4.1: 935 of 1,613,972 alleles (0.058%); highest among the groups gnomAD compares: African/African-American, 0.85%; 3 homozygotes.

Submissions (6):

CeGaT Center for Human Genetics Tuebingen
Classification: Likely benign. Last evaluated: 2026-01-01. Review status: criteria provided, single submitter. Criteria: CeGaT Center For Human Genetics Tuebingen Variant Classification Criteria Version 2. Collection method: clinical testing. Allele origin: germline. Affected: yes. Observed: 2 variant alleles.
Comment: KANK1: BP4, BP7

Labcorp Genetics (formerly Invitae), Labcorp
Classification: Benign. Last evaluated: 2025-12-10. Review status: criteria provided, single submitter. Criteria: Invitae Variant Classification Sherloc (09022015). Collection method: clinical testing. Allele origin: germline.

Blueprint Genetics
Classification: Likely benign. Last evaluated: 2024-09-24. Review status: criteria provided, single submitter. Criteria: ACMG Guidelines, 2015. Collection method: clinical testing. Allele origin: germline.

Fulgent Genetics
Classification: Likely benign for Cerebral palsy, spastic quadriplegic, 2. Last evaluated: 2021-07-24. Review status: criteria provided, single submitter. Criteria: ACMG Guidelines, 2015. Collection method: clinical testing. Allele origin: unknown.

GeneDx
Classification: Likely benign. Last evaluated: 2021-05-03. Review status: criteria provided, single submitter. Criteria: GeneDx Variant Classification Process June 2021. Collection method: clinical testing. Allele origin: germline. Affected: yes.

Breakthrough Genomics
Classification: Likely benign. Review status: criteria provided, single submitter. Criteria: ACMG Guidelines, 2015. Collection method: not provided. Allele origin: germline. Inheritance: Unknown mechanism. Affected: yes.